The following is an entry in ClinVar:

NM_001378452.1(ITPR1):c.2840G>A (p.Arg947Gln)

Gene: ITPR1 (inositol 1,4,5-trisphosphate receptor type 1; plus strand). Cytogenetic location: 3p26.1.
Variant type: single nucleotide variant.
Coding change: c.2840G>A on transcript NM_001378452.1 (MANE Select); coding-DNA position 2840, G replaced by A.
Protein change: p.Arg947Gln; replaces arginine 947 with glutamine.
Molecular consequence: missense variant.
Genome position (GRCh38, 1-based): chr3:4,676,674, G>A. VCF-style: chr3-4676674-G-A. GRCh37 (hg19) VCF-style: chr3-4718358-G-A.
Other names: c.2813G>A, p.Arg938Gln (NM_001099952.4); c.2795G>A, p.Arg932Gln (NM_001168272.2); c.2768G>A, p.Arg923Gln (NM_002222.7); short protein forms R923Q, R932Q, R938Q, R947Q.
Identifiers: ClinVar variation 3629795 (VCV003629795.1).

ClinVar aggregate classification (germline): Uncertain significance (1 of 4 stars; one submission).

gnomAD v4.1: 3 of 1,613,678 alleles (0.00019%); highest among the groups gnomAD compares: Non-Finnish European, 0.00025%; no homozygotes.

Submission:

Women's Health and Genetics/Laboratory Corporation of America, LabCorp
Classification: Uncertain significance. Last evaluated: 2024-11-06. Review status: criteria provided, single submitter. Criteria: LabCorp Variant Classification Summary - May 2015. Collection method: clinical testing. Allele origin: germline.
Comment: Variant summary: ITPR1 c.2768G>A (p.Arg923Gln) results in a conservative amino acid change in the encoded protein sequence. Three of five in-silico tools predict a benign effect of the variant on protein function. The variant was absent in 248896 control chromosomes. The available data on variant occurrences in the general population are insufficient to allow any conclusion about variant significance. To our knowledge, no occurrence of c.2768G>A in individuals affected with Spinocerebellar Ataxia 29 and no experimental evidence demonstrating its impact on protein function have been reported. No submitters have cited clinical-significance assessments for this variant to ClinVar. Based on the evidence outlined above, the variant was classified as uncertain significance.